The following is an entry in ClinVar:

ClinVar aggregate classification (germline): Likely benign (0 of 4 stars; one submission).

Conditions:
GNAS-related disorder. Identifiers: MedGen CN380105.

gnomAD v4.1: 27 of 1,608,518 alleles (0.0017%); highest among the groups gnomAD compares: South Asian, 0.0033%; no homozygotes.

Submission:

PreventionGenetics, part of Exact Sciences
Classification: Likely benign for GNAS-related condition. Last evaluated: 2024-07-29. Review status: no assertion criteria provided. Collection method: clinical testing. Allele origin: germline.
Comment: This variant is classified as likely benign based on ACMG/AMP sequence variant interpretation guidelines (Richards et al. 2015 PMID: 25741868, with internal and published modifications).

NM_000516.7(GNAS):c.978C>T (p.Pro326=)

Gene: GNAS (GNAS complex locus; plus strand). Cytogenetic location: 20q13.32.
Variant type: single nucleotide variant.
Coding change: c.978C>T on transcript NM_000516.7 (MANE Select); coding-DNA position 978, C replaced by T.
Protein change: p.Pro326=; no amino-acid change (proline 326 retained).
Molecular consequence: synonymous variant. On other transcripts: 3 prime UTR variant (2).
Genome position (GRCh38, 1-based): chr20:58,910,341, C>T. VCF-style: chr20-58910341-C-T. GRCh37 (hg19) VCF-style: chr20-57485396-C-T.
Other names: c.981C>T, p.Pro327= (NM_001077488.5); c.933C>T, p.Pro311= (NM_001077489.4); c.*839C>T (NM_001077490.3); c.801C>T, p.Pro267= (NM_001309840.2, NM_001309861.2); c.882C>T, p.Pro294= (NM_001410912.1); c.2862C>T, p.Pro954= (NM_001410913.1); c.*884C>T (NM_016592.5); c.2907C>T, p.Pro969= (NM_080425.4); and 1 more.
Identifiers: ClinVar variation 3358205 (VCV003358205.1).